The following is an entry in ClinVar:

ClinVar aggregate classification (germline): Uncertain significance (1 of 4 stars; one submission).

Submission:

Labcorp Genetics (formerly Invitae), Labcorp
Classification: Uncertain significance. Last evaluated: 2025-05-05. Review status: criteria provided, single submitter. Criteria: Invitae Variant Classification Sherloc (09022015). Collection method: clinical testing. Allele origin: germline.
Comment: This sequence change falls in intron 49 of the COL4A5 gene. It does not directly change the encoded amino acid sequence of the COL4A5 protein. This variant is not present in population databases (gnomAD no frequency). This variant has not been reported in the literature in individuals affected with COL4A5-related conditions. ClinVar contains an entry for this variant (Variation ID: 2029667). Algorithms developed to predict the effect of sequence changes on RNA splicing suggest that this variant may disrupt the consensus splice site. In summary, the available evidence is currently insufficient to determine the role of this variant in disease. Therefore, it has been classified as a Variant of Uncertain Significance.

NM_033380.3(COL4A5):c.4822-10del

Gene: COL4A5 (collagen type IV alpha 5 chain; plus strand). Cytogenetic location: Xq22.3.
Variant type: Deletion.
Coding change: c.4822-10del on transcript NM_033380.3 (MANE Select); 10 bases into the intron before coding-DNA position 4822, one base deleted (T; older notation c.4822-10delT).
Molecular consequence: intron variant.
Genome position (GRCh38, 1-based): chrX:108,695,257, T deleted. VCF-style (leftmost placement, unchanged base first): chrX-108695256-GT-G. GRCh37 (hg19) VCF-style: chrX-107938486-GT-G.
Other names: c.4804-10del (NM_000495.5).
Identifiers: ClinVar variation 2029667 (VCV002029667.4), dbSNP rs2524653572, ClinGen allele CA2580100248.